The following is an entry in ClinVar:

ClinVar aggregate classification (germline): Uncertain significance (1 of 4 stars; one submission).

Conditions:
Dilated cardiomyopathy 1KK (CMD1KK). Identifiers: Orphanet 154, Orphanet 75249, MedGen C3714995, MONDO:0014100, OMIM 615248.

Allele frequency attached by ClinVar (database versions not stated): gnomAD exomes below 0.00001; TOPMed below 0.00001; ExAC 0.00001.

Submission:

Labcorp Genetics (formerly Invitae), Labcorp
Classification: Uncertain significance for Dilated cardiomyopathy 1KK. Last evaluated: 2021-09-21. Review status: criteria provided, single submitter. Criteria: Invitae Variant Classification Sherloc (09022015). Collection method: clinical testing. Allele origin: germline.
Comment: This sequence change replaces methionine with threonine at codon 1305 of the MYPN protein (p.Met1305Thr). The methionine residue is weakly conserved and there is a moderate physicochemical difference between methionine and threonine. This variant is present in population databases (rs774564158, ExAC 0.001%). This variant has not been reported in the literature in individuals affected with MYPN-related conditions. Algorithms developed to predict the effect of missense changes on protein structure and function (SIFT, PolyPhen-2, Align-GVGD) all suggest that this variant is likely to be tolerated. In summary, the available evidence is currently insufficient to determine the role of this variant in disease. Therefore, it has been classified as a Variant of Uncertain Significance.

NM_032578.4(MYPN):c.3914T>C (p.Met1305Thr)

Gene: MYPN (myopalladin; plus strand). Cytogenetic location: 10q21.3.
Variant type: single nucleotide variant.
Coding change: c.3914T>C on transcript NM_032578.4 (MANE Select); coding-DNA position 3914, T replaced by C.
Protein change: p.Met1305Thr; replaces methionine 1305 with threonine.
Molecular consequence: missense variant. On other transcripts: non-coding transcript variant (2).
Genome position (GRCh38, 1-based): chr10:68,210,406, T>C. VCF-style: chr10-68210406-T-C. GRCh37 (hg19) VCF-style: chr10-69970163-T-C.
Other names: c.3914T>C, p.Met1305Thr (NM_001256267.2); c.3032T>C, p.Met1011Thr (NM_001256268.2); short protein forms M1305T, M1011T.
Identifiers: ClinVar variation 1524252 (VCV001524252.3), dbSNP rs774564158, ClinGen allele CA5523188.